The following is an entry in ClinVar:

ClinVar aggregate classification (germline): Uncertain significance. Review status: reviewed by expert panel (3 of 4 stars). 2 submissions from 2 submitters: Uncertain significance (1). 1 of the submissions does not count toward it. Last evaluated 2024-09-25.

Conditions:
Hereditary thrombocytopenia and hematological cancer predisposition syndrome associated with RUNX1. Also called: RUNX1 Familial Platelet Disorder with Associated Myeloid Malignancies; Familial Platelet Disorder with Propensity to Acute Myelogenous Leukemia; Familial thrombocytopenia with propensity to acute myelogenous leukemia; PLATELET DISORDER, ASPIRIN-LIKE. Identifiers: Orphanet 71290, MedGen C1832388, MeSH C563324, MONDO:0100083, OMIM 601399.
Hereditary thrombocytopenia and hematologic cancer predisposition syndrome. Identifiers: Orphanet 71290, MedGen CN281654, MONDO:0011071.

Submissions (2):

ClinGen Myeloid Malignancy Variant Curation Expert Panel
Classification: Uncertain significance for Hereditary thrombocytopenia and hematologic cancer predisposition syndrome. Last evaluated: 2024-09-25. Review status: reviewed by expert panel. Criteria: ClinGen MyeloMalig ACMG Specifications v2. Collection method: curation. Allele origin: germline. Inheritance: Autosomal dominant inheritance.
Comment: NM_001754.5(RUNX1):c.40C>A (p.Pro14Thr) is a missense variant which has a REVEL score of < 0.50 (0.295) (BP4). This variant is completely absent from all population databases with at least 20x coverage for RUNX1 (PM2_Supporting). In summary, the clinical significance of this variant is uncertain. ACMG/AMP criteria applied, as specified by the Myeloid Malignancy Variant Curation Expert Panel for RUNX1: BP4, PM2_supporting.

Labcorp Genetics (formerly Invitae), Labcorp
Classification: Uncertain significance for Hereditary thrombocytopenia and hematological cancer predisposition syndrome associated with RUNX1. Last evaluated: 2021-10-24. Review status: criteria provided, single submitter. Criteria: Invitae Variant Classification Sherloc (09022015). Collection method: clinical testing. Allele origin: germline. Not counted in ClinVar's aggregate classification.
Comment: Algorithms developed to predict the effect of missense changes on protein structure and function (SIFT, PolyPhen-2, Align-GVGD) all suggest that this variant is likely to be tolerated. In summary, the available evidence is currently insufficient to determine the role of this variant in disease. Therefore, it has been classified as a Variant of Uncertain Significance. This variant has not been reported in the literature in individuals affected with RUNX1-related conditions. This variant is not present in population databases (ExAC no frequency). This sequence change replaces proline with threonine at codon 14 of the RUNX1 protein (p.Pro14Thr). The proline residue is weakly conserved and there is a small physicochemical difference between proline and threonine.

NM_001754.5(RUNX1):c.40C>A (p.Pro14Thr)

Gene: RUNX1 (RUNX family transcription factor 1; minus strand). Cytogenetic location: 21q22.12.
Variant type: single nucleotide variant.
Coding change: c.40C>A on transcript NM_001754.5 (MANE Select); coding-DNA position 40, C replaced by A.
Protein change: p.Pro14Thr; replaces proline 14 with threonine.
Molecular consequence: missense variant.
Genome position (GRCh38, 1-based): chr21:35,048,860, G>T on the plus strand (C>A on the coding strand, the complement: RUNX1 is on the minus strand). VCF-style: chr21-35048860-G-T. GRCh37 (hg19) VCF-style: chr21-36421157-G-T.
Other names: NM_001754.5(RUNX1):c.40C>A; p.Pro14Thr; short protein forms P14T.
Identifiers: ClinVar variation 1483319 (VCV001483319.7), dbSNP rs1189256233, ClinGen allele CA410208229.